The following is an entry in ClinVar:

NM_182916.3(TRNT1):c.928G>T (p.Asp310Tyr)

Gene: TRNT1 (tRNA nucleotidyl transferase 1; plus strand). Cytogenetic location: 3p26.2.
Variant type: single nucleotide variant.
Coding change: c.928G>T on transcript NM_182916.3 (MANE Select); coding-DNA position 928, G replaced by T.
Protein change: p.Asp310Tyr; replaces aspartic acid 310 with tyrosine.
Molecular consequence: missense variant. On other transcripts: non-coding transcript variant (8).
Genome position (GRCh38, 1-based): chr3:3,147,575, G>T. VCF-style: chr3-3147575-G-T. GRCh37 (hg19) VCF-style: chr3-3189259-G-T.
Other names: c.868G>T, p.Asp290Tyr (NM_001302946.2); c.928G>T, p.Asp310Tyr (NM_001367321.1, NM_001367322.1, NM_001367323.1); short protein forms D290Y, D310Y.
Identifiers: ClinVar variation 1056114 (VCV001056114.3), dbSNP rs2126036850, ClinGen allele CA351447729.

ClinVar aggregate classification (germline): Uncertain significance (1 of 4 stars; one submission).

Conditions:
Congenital sideroblastic anemia-B-cell immunodeficiency-periodic fever-developmental delay syndrome. Also called: Sideroblastic anemia with B-cell immunodeficiency, periodic fevers, and developmental delay. Identifiers: Orphanet 369861, MedGen C4015172, MONDO:0014487, OMIM 616084.

Submission:

Labcorp Genetics (formerly Invitae), Labcorp
Classification: Uncertain significance for Congenital sideroblastic anemia-B-cell immunodeficiency-periodic fever-developmental delay syndrome. Last evaluated: 2024-02-17. Review status: criteria provided, single submitter. Criteria: Invitae Variant Classification Sherloc (09022015). Collection method: clinical testing. Allele origin: germline.
Comment: This sequence change replaces aspartic acid, which is acidic and polar, with tyrosine, which is neutral and polar, at codon 310 of the TRNT1 protein (p.Asp310Tyr). This variant is not present in population databases (gnomAD no frequency). This variant has not been reported in the literature in individuals affected with TRNT1-related conditions. ClinVar contains an entry for this variant (Variation ID: 1056114). Advanced modeling of protein sequence and biophysical properties (such as structural, functional, and spatial information, amino acid conservation, physicochemical variation, residue mobility, and thermodynamic stability) performed at Invitae indicates that this missense variant is not expected to disrupt TRNT1 protein function with a negative predictive value of 80%. In summary, the available evidence is currently insufficient to determine the role of this variant in disease. Therefore, it has been classified as a Variant of Uncertain Significance.